The following is an entry in ClinVar:

ClinVar aggregate classification (germline): Uncertain significance (1 of 4 stars; one submission).

Conditions:
Baller-Gerold syndrome (BGS). Also called: CRANIOSYNOSTOSIS WITH RADIAL DEFECTS. Identifiers: Orphanet 1225, MedGen C0265308, MONDO:0009039, OMIM 218600.

Submission:

Labcorp Genetics (formerly Invitae), Labcorp
Classification: Uncertain significance for Baller-Gerold syndrome. Last evaluated: 2022-04-22. Review status: criteria provided, single submitter. Criteria: Invitae Variant Classification Sherloc (09022015). Collection method: clinical testing. Allele origin: germline.
Comment: This sequence change replaces methionine, which is neutral and non-polar, with leucine, which is neutral and non-polar, at codon 490 of the RECQL4 protein (p.Met490Leu). This variant is not present in population databases (gnomAD no frequency). This variant has not been reported in the literature in individuals affected with RECQL4-related conditions. Experimental studies and prediction algorithms are not available or were not evaluated, and the functional significance of this variant is currently unknown. In summary, the available evidence is currently insufficient to determine the role of this variant in disease. Therefore, it has been classified as a Variant of Uncertain Significance.

NM_004260.4(RECQL4):c.1468A>T (p.Met490Leu)

Gene: RECQL4 (RecQ like helicase 4; minus strand). Cytogenetic location: 8q24.3.
Variant type: single nucleotide variant.
Coding change: c.1468A>T on transcript NM_004260.4 (MANE Select); coding-DNA position 1468, A replaced by T.
Protein change: p.Met490Leu; replaces methionine 490 with leucine.
Molecular consequence: missense variant.
Genome position (GRCh38, 1-based): chr8:144,515,165, T>A on the plus strand (A>T on the coding strand, the complement: RECQL4 is on the minus strand). VCF-style: chr8-144515165-T-A. GRCh37 (hg19) VCF-style: chr8-145740549-T-A.
Other names: c.1468A>T, p.Met490Leu (NM_001413018.1, NM_001413019.1, NM_001413033.1 and 2 more transcripts); c.1372A>T, p.Met458Leu (NM_001413020.1, NM_001413017.1); c.397A>T, p.Met133Leu (NM_001413021.1, NM_001413022.1, NM_001413023.1 and 8 more transcripts); c.1339A>T, p.Met447Leu (NM_001413025.1); c.331A>T, p.Met111Leu (NM_001413027.1, NM_001413030.1, NM_001413041.1 and 2 more transcripts); c.1117A>T, p.Met373Leu (NM_001413029.1); c.1A>T, p.Met1Leu (NM_001413043.1); short protein forms M373L, M447L, M111L, M133L, M458L, M490L, M1L.
Identifiers: ClinVar variation 1961408 (VCV001961408.5), dbSNP rs2538058751, ClinGen allele CA372684597.
Genomic context (GRCh38, chr8:144,515,165, plus strand): 5'-GCAGCCTGGCCTCAGCCCAGCCTCAGCCCTGGCAGCCACGCTCACCAGACAGGATCCGCA[T>A]GACTGCACGCTCCTGCCCAGGGCGAAAGGCTTGGTGCCCCAGCTGCTCCAGGGCCTGGAA-3'
Protein context (NP_004251.4, residues 480-500): AFRPGQERAV[Met490Leu]RILSGISTLL